The following is an entry in ClinVar:

NM_004006.3(DMD):c.8668+19A>G

Gene: DMD (dystrophin; minus strand). Cytogenetic location: Xp21.2.
Variant type: single nucleotide variant.
Coding change: c.8668+19A>G on transcript NM_004006.3 (MANE Select); 19 bases into the intron after coding-DNA position 8668, A replaced by G.
Molecular consequence: intron variant.
Genome position (GRCh38, 1-based): chrX:31,478,964, T>C on the plus strand (A>G on the coding strand, the complement: DMD is on the minus strand). VCF-style: chrX-31478964-T-C. GRCh37 (hg19) VCF-style: chrX-31497081-T-C.
Other names: c.8644+19A>G (NM_000109.4); c.4645+19A>G (NM_004011.4); c.4636+19A>G (NM_004012.4); c.1288+19A>G (NM_004023.3, NM_004020.4, NM_004022.3 and 2 more transcripts); c.481+19A>G (NM_004014.3); c.8656+19A>G (NM_004009.3); c.8299+19A>G (NM_004010.3).
Identifiers: ClinVar variation 94812 (VCV000094812.27), dbSNP rs148241865, ClinGen allele CA285619.

ClinVar aggregate classification (germline): Benign. Review status: criteria provided, multiple submitters, no conflicts (2 of 4 stars). 6 submissions from 6 submitters: Benign (5). 1 of the submissions does not count toward it. Last evaluated 2026-02-04.

Conditions:
Becker muscular dystrophy (BMD). Also called: Becker Muscular Dystrophy (BMD); MUSCULAR DYSTROPHY, PSEUDOHYPERTROPHIC PROGRESSIVE, BECKER TYPE. Identifiers: Orphanet 98895, MedGen C0917713, MONDO:0010311, OMIM 300376.
Duchenne muscular dystrophy (DMD). Also called: Duchenne Muscular Dystrophy (DMD); MUSCULAR DYSTROPHY, PSEUDOHYPERTROPHIC PROGRESSIVE, DUCHENNE TYPE. Identifiers: Orphanet 98896, MedGen C0013264, MONDO:0010679, OMIM 310200.
Cardiomyopathy (CMYO). Also called: Cardiomyopathies. Identifiers: Orphanet 167848, MedGen C0878544, MONDO:0004994, HP:0001638. Inheritance: Various modes of inheritance.
Dystrophin deficiency.

Allele frequency attached by ClinVar (database versions not stated): gnomAD exomes 0.00096; ExAC 0.00324; gnomAD 0.00933 and 0.01001; 1000 Genomes Project 30x 0.00957; ESP Exome Variant Server 0.00975; TOPMed 0.01021; 1000 Genomes Project 0.01033.
gnomAD v4.1: 2,125 of 1,206,468 alleles (0.18%); highest among the groups gnomAD compares: African/African-American, 3.3%; 24 homozygotes.

Submissions (6):

Labcorp Genetics (formerly Invitae), Labcorp
Classification: Benign for Duchenne muscular dystrophy. Last evaluated: 2026-02-04. Review status: criteria provided, single submitter. Criteria: Invitae Variant Classification Sherloc (09022015). Collection method: clinical testing. Allele origin: germline.

ARUP Laboratories, Molecular Genetics and Genomics, ARUP Laboratories
Classification: Benign. Last evaluated: 2025-05-20. Review status: criteria provided, single submitter. Criteria: ARUP Molecular Germline Variant Investigation Process 2024. Collection method: clinical testing. Allele origin: germline.

Women's Health and Genetics/Laboratory Corporation of America, LabCorp
Classification: Benign. Last evaluated: 2023-08-19. Review status: criteria provided, single submitter. Criteria: LabCorp Variant Classification Summary - May 2015. Collection method: clinical testing. Allele origin: germline.

GeneDx
Classification: Benign. Last evaluated: 2014-09-15. Review status: criteria provided, single submitter. Criteria: GeneDx Variant Classification (06012015). Collection method: clinical testing. Allele origin: germline. Affected: yes.
Comment: This variant is considered likely benign or benign based on one or more of the following criteria: it is a conservative change, it occurs at a poorly conserved position in the protein, it is predicted to be benign by multiple in silico algorithms, and/or has population frequency not consistent with disease.

Eurofins Ntd Llc (ga)
Classification: Benign. Last evaluated: 2013-10-22. Review status: criteria provided, single submitter. Criteria: EGL Classification Definitions 2015. Collection method: clinical testing. Allele origin: germline. Observed: 5 variant alleles, 2 heterozygotes, 3 hemizygotes.

Natera, Inc.
Classification: Benign for Becker muscular dystrophy; Cardiomyopathy; Duchenne muscular dystrophy; Dystrophin deficiency. Last evaluated: 2018-04-11. Review status: no assertion criteria provided. Collection method: clinical testing. Allele origin: germline. Not counted in ClinVar's aggregate classification.